The following is an entry in ClinVar:

NM_053013.4(ENO3):c.563T>C (p.Val188Ala)

Gene: ENO3 (enolase 3; plus strand). Cytogenetic location: 17p13.2.
Variant type: single nucleotide variant.
Coding change: c.563T>C on transcript NM_053013.4 (MANE Select); coding-DNA position 563, T replaced by C.
Protein change: p.Val188Ala; replaces valine 188 with alanine.
Molecular consequence: missense variant.
Genome position (GRCh38, 1-based): chr17:4,955,193, T>C. VCF-style: chr17-4955193-T-C. GRCh37 (hg19) VCF-style: chr17-4858488-T-C.
Other names: c.434T>C, p.Val145Ala (NM_001193503.2); c.563T>C, p.Val188Ala (NM_001374523.1, NM_001976.5); c.590T>C, p.Val197Ala (NM_001374524.1); short protein forms V145A, V188A, V197A.
Identifiers: ClinVar variation 2145260 (VCV002145260.4), dbSNP rs780137202, ClinGen allele CA8316352.

ClinVar aggregate classification (germline): Uncertain significance (1 of 4 stars; one submission).

Conditions:
Glycogen storage disease due to muscle beta-enolase deficiency (GSD13). Also called: ENOLASE 3 DEFICIENCY; ENOLASE-BETA DEFICIENCY; GSD XIII; Glycogen Storage Disease Type XIII. Identifiers: Orphanet 99849, MedGen C2752027, MONDO:0013046, OMIM 612932.

Allele frequency attached by ClinVar (database versions not stated): gnomAD exomes below 0.00001; TOPMed below 0.00001; ExAC 0.00001.
gnomAD v4.1: 3 of 1,614,114 alleles (0.00019%); highest among the groups gnomAD compares: Admixed American, 0.005%; no homozygotes.

Submission:

Labcorp Genetics (formerly Invitae), Labcorp
Classification: Uncertain significance for Glycogen storage disease due to muscle beta-enolase deficiency. Last evaluated: 2022-04-17. Review status: criteria provided, single submitter. Criteria: Invitae Variant Classification Sherloc (09022015). Collection method: clinical testing. Allele origin: germline.
Comment: In summary, the available evidence is currently insufficient to determine the role of this variant in disease. Therefore, it has been classified as a Variant of Uncertain Significance. Algorithms developed to predict the effect of missense changes on protein structure and function are either unavailable or do not agree on the potential impact of this missense change (SIFT: "Deleterious"; PolyPhen-2: "Probably Damaging"; Align-GVGD: "Class C0"). This variant has not been reported in the literature in individuals affected with ENO3-related conditions. This variant is present in population databases (rs780137202, gnomAD 0.009%). This sequence change replaces valine, which is neutral and non-polar, with alanine, which is neutral and non-polar, at codon 188 of the ENO3 protein (p.Val188Ala).